The following is an entry in ClinVar:

ClinVar aggregate classification (germline): Benign. Review status: criteria provided, single submitter (1 of 4 stars). 2 submissions from 2 submitters: Benign (1). 1 of the submissions does not count toward it. Last evaluated 2026-01-17.

Conditions:
PEX1-related disorder. Also called: PEX1-related condition.
Zellweger spectrum disorders (ZS). Also called: Zellweger Spectrum Disorder; Zellweger Spectrum; Zellweger Spectrum Disorder (ZSD); Zellweger syndrome. Identifiers: Orphanet 912, MedGen C0043459, MONDO:0019609.

Submissions (2):

Labcorp Genetics (formerly Invitae), Labcorp
Classification: Benign for Zellweger spectrum disorders. Last evaluated: 2026-01-17. Review status: criteria provided, single submitter. Criteria: Invitae Variant Classification Sherloc (09022015). Collection method: clinical testing. Allele origin: germline.

PreventionGenetics, part of Exact Sciences
Classification: Likely benign for PEX1-related condition. Last evaluated: 2021-09-23. Review status: no assertion criteria provided. Collection method: clinical testing. Allele origin: germline. Not counted in ClinVar's aggregate classification.
Comment: This variant is classified as likely benign based on ACMG/AMP sequence variant interpretation guidelines (Richards et al. 2015 PMID: 25741868, with internal and published modifications).

NM_000466.3(PEX1):c.1240-10del

Gene: PEX1 (peroxisomal biogenesis factor 1; minus strand). Cytogenetic location: 7q21.2.
Variant type: Deletion.
Coding change: c.1240-10del on transcript NM_000466.3 (MANE Select); 10 bases into the intron before coding-DNA position 1240, one base deleted (T; older notation c.1240-10delT).
Molecular consequence: intron variant.
Genome position (GRCh38, 1-based): chr7:92,513,977, A deleted on the plus strand (T on the coding strand, the reverse complement: PEX1 is on the minus strand); the first of 5 consecutive A bases (chr7:92,513,977-92,513,981); deleting any one gives the same sequence. VCF-style (leftmost placement, unchanged base first): chr7-92513976-TA-T. GRCh37 (hg19) VCF-style: chr7-92143290-TA-T.
Other names: c.1240-10del (NM_001282677.2); c.616-10del (NM_001282678.2); c.1240-10delT (NM_000466.2).
Identifiers: ClinVar variation 1601003 (VCV001601003.10), dbSNP rs1298492061, ClinGen allele CA576307369.